The following is an entry in ClinVar:

NM_001382391.1(CSPP1):c.2522T>C (p.Ile841Thr)

Gene: CSPP1 (centrosome and spindle pole associated protein 1; plus strand). Cytogenetic location: 8q13.2.
Variant type: single nucleotide variant.
Coding change: c.2522T>C on transcript NM_001382391.1 (MANE Select); coding-DNA position 2522, T replaced by C.
Protein change: p.Ile841Thr; replaces isoleucine 841 with threonine.
Molecular consequence: missense variant.
Genome position (GRCh38, 1-based): chr8:67,159,121, T>C. VCF-style: chr8-67159121-T-C. GRCh37 (hg19) VCF-style: chr8-68071356-T-C.
Other names: c.1472T>C, p.Ile491Thr (NM_001291339.2); c.2441T>C, p.Ile814Thr (NM_001363131.2); c.2327T>C, p.Ile776Thr (NM_001363132.2); c.2246T>C, p.Ile749Thr (NM_001363133.2); c.2588T>C, p.Ile863Thr (NM_001364869.1); c.2408T>C, p.Ile803Thr (NM_001364870.1); c.2507T>C, p.Ile836Thr (NM_024790.7); short protein forms I491T, I749T, I776T, I803T, I814T, I836T, I841T, I863T.
Identifiers: ClinVar variation 1024733 (VCV001024733.5), dbSNP rs376353407, ClinGen allele CA4770854.
Genomic context (GRCh38, chr8:67,159,121, plus strand): 5'-AAGAAGAAGAAGAAAAATATAACCTGCAACTTCAGCACTACTGTGAAAGAGACAATTTGA[T>C]TGGGGAAGAAACAAAGGTAAGTTTCAGACAAAAATGTCAATCAAACCCATAGTTTAACTC-3'
Protein context (NP_001369320.1, residues 831-851): LQHYCERDNL[Ile841Thr]GEETKHMRQP

ClinVar aggregate classification (germline): Conflicting classifications of pathogenicity. Review status: criteria provided, conflicting classifications (1 of 4 stars). 3 submissions from 3 submitters: Uncertain significance (2); Likely benign (1). Last evaluated 2024-01-23.

Conditions:
Joubert syndrome 21 (JBTS21). Identifiers: MedGen C3810212, MONDO:0014288, OMIM 615636.
Inborn genetic diseases. Identifiers: MedGen C0950123, MeSH D030342.

Allele frequency attached by ClinVar (database versions not stated): gnomAD 0.00005 and 0.00006; gnomAD exomes 0.00006 and 0.00008; ExAC 0.00007; ESP Exome Variant Server 0.00008; TOPMed 0.00011.
gnomAD v4.1: 120 of 1,598,808 alleles (0.0075%); highest among the groups gnomAD compares: Non-Finnish European, 0.0095%; no homozygotes.

Submissions (3):

Blueprint Genetics
Classification: Uncertain significance. Last evaluated: 2024-01-23. Review status: criteria provided, single submitter. Criteria: ACMG Guidelines, 2015. Collection method: clinical testing. Allele origin: germline.

Ambry Genetics
Classification: Likely benign for Inborn genetic diseases. Last evaluated: 2024-01-03. Review status: criteria provided, single submitter. Criteria: Ambry Variant Classification Scheme 2023. Collection method: clinical testing. Allele origin: germline.

Labcorp Genetics (formerly Invitae), Labcorp
Classification: Uncertain significance for Joubert syndrome 21. Last evaluated: 2022-05-03. Review status: criteria provided, single submitter. Criteria: Invitae Variant Classification Sherloc (09022015). Collection method: clinical testing. Allele origin: germline.
Comment: This sequence change replaces isoleucine, which is neutral and non-polar, with threonine, which is neutral and polar, at codon 836 of the CSPP1 protein (p.Ile836Thr). This variant is present in population databases (rs376353407, gnomAD 0.01%). This variant has not been reported in the literature in individuals affected with CSPP1-related conditions. ClinVar contains an entry for this variant (Variation ID: 1024733). Algorithms developed to predict the effect of missense changes on protein structure and function output the following: SIFT: "Tolerated"; PolyPhen-2: "Benign"; Align-GVGD: "Class C0". The threonine amino acid residue is found in multiple mammalian species, which suggests that this missense change does not adversely affect protein function. In summary, the available evidence is currently insufficient to determine the role of this variant in disease. Therefore, it has been classified as a Variant of Uncertain Significance.